The following is an entry in ClinVar:

ClinVar aggregate classification (germline): Uncertain significance. Review status: criteria provided, multiple submitters, no conflicts (2 of 4 stars). 2 submissions from 2 submitters: Uncertain significance (2). Last evaluated 2022-02-02.

Allele frequency attached by ClinVar (database versions not stated): ExAC 0.00001; gnomAD exomes 0.00001 and 0.00002; gnomAD 0.00002 and 0.00003; TOPMed 0.00003.
gnomAD v4.1: 31 of 1,614,010 alleles (0.0019%); highest among the groups gnomAD compares: Non-Finnish European, 0.0025%; no homozygotes.

Submissions (2):

GeneDx
Classification: Uncertain significance. Last evaluated: 2022-02-02. Review status: criteria provided, single submitter. Criteria: GeneDx Variant Classification Process June 2021. Collection method: clinical testing. Allele origin: germline. Affected: yes.
Comment: Not observed at significant frequency in large population cohorts (gnomAD); In silico analysis supports that this missense variant does not alter protein structure/function; Has not been previously published as pathogenic or benign to our knowledge

Labcorp Genetics (formerly Invitae), Labcorp
Classification: Uncertain significance. Last evaluated: 2021-08-26. Review status: criteria provided, single submitter. Criteria: Invitae Variant Classification Sherloc (09022015). Collection method: clinical testing. Allele origin: germline.
Comment: This sequence change replaces isoleucine with valine at codon 763 of the FAT4 protein (p.Ile763Val). The isoleucine residue is moderately conserved and there is a small physicochemical difference between isoleucine and valine. This variant is present in population databases (rs774554680, ExAC 0.002%). This variant has not been reported in the literature in individuals affected with FAT4-related conditions. Advanced modeling of protein sequence and biophysical properties (such as structural, functional, and spatial information, amino acid conservation, physicochemical variation, residue mobility, and thermodynamic stability) performed at Invitae indicates that this missense variant is not expected to disrupt FAT4 protein function. In summary, the available evidence is currently insufficient to determine the role of this variant in disease. Therefore, it has been classified as a Variant of Uncertain Significance.

NM_001291303.3(FAT4):c.2287A>G (p.Ile763Val)

Gene: FAT4 (FAT atypical cadherin 4; plus strand). Cytogenetic location: 4q28.1.
Variant type: single nucleotide variant.
Coding change: c.2287A>G on transcript NM_001291303.3 (MANE Select); coding-DNA position 2287, A replaced by G.
Protein change: p.Ile763Val; replaces isoleucine 763 with valine.
Molecular consequence: missense variant.
Genome position (GRCh38, 1-based): chr4:125,318,698, A>G. VCF-style: chr4-125318698-A-G. GRCh37 (hg19) VCF-style: chr4-126239853-A-G.
Other names: c.2287A>G, p.Ile763Val (NM_001291285.3, NM_024582.6); short protein forms I763V.
Identifiers: ClinVar variation 1394938 (VCV001394938.6), dbSNP rs774554680, ClinGen allele CA3072141.